The following is an entry in ClinVar:

ClinVar aggregate classification (germline): Uncertain significance (1 of 4 stars; one submission).

Submission:

GeneDx
Classification: Uncertain significance. Last evaluated: 2024-04-12. Review status: criteria provided, single submitter. Criteria: GeneDx Variant Classification Process June 2021. Collection method: clinical testing. Allele origin: germline. Affected: yes.
Comment: Not observed at significant frequency in large population cohorts (gnomAD); In silico analysis supports that this missense variant has a deleterious effect on protein structure/function; In silico analysis supports a deleterious effect on splicing; Has not been previously published as pathogenic or benign to our knowledge; Not located in the triple helical region, where the majority of pathogenic missense variants occur (HGMD)

NM_000090.4(COL3A1):c.3722T>G (p.Val1241Gly)

Gene: COL3A1 (collagen type III alpha 1 chain; plus strand). Cytogenetic location: 2q32.2.
Variant type: single nucleotide variant.
Coding change: c.3722T>G on transcript NM_000090.4 (MANE Select); coding-DNA position 3722, T replaced by G.
Protein change: p.Val1241Gly; replaces valine 1241 with glycine.
Molecular consequence: missense variant.
Genome position (GRCh38, 1-based): chr2:189,009,120, T>G. VCF-style: chr2-189009120-T-G. GRCh37 (hg19) VCF-style: chr2-189873846-T-G.
Other names: short protein forms V1241G.
Identifiers: ClinVar variation 3372256 (VCV003372256.1).